The following is an entry in ClinVar:

ClinVar aggregate classification (germline): Uncertain significance (1 of 4 stars; one submission).

Conditions:
ADNP-related multiple congenital anomalies - intellectual disability - autism spectrum disorder. Also called: Helsmoortel-Van der Aa Syndrome; ADNP-Related Helsmoortel-Van der Aa Syndrome. Identifiers: Orphanet 404448, MedGen C4014538, MONDO:0014379, OMIM 615873. Disease mechanism: loss of function.

Allele frequency attached by ClinVar (database versions not stated): gnomAD exomes below 0.00001.
gnomAD v4.1: 1 of 1,614,132 alleles (0.000062%); highest among the groups gnomAD compares: Non-Finnish European, 0.000085%; no homozygotes.

Submission:

Victorian Clinical Genetics Services, Murdoch Childrens Research Institute
Classification: Uncertain significance for ADNP-related multiple congenital anomalies - intellectual disability - autism spectrum disorder. Last evaluated: 2022-02-02. Review status: criteria provided, single submitter. Criteria: ACMG Guidelines, 2015. Collection method: clinical testing. Allele origin: germline. Inheritance: Autosomal dominant inheritance. Affected: yes.
Comment: Based on the classification scheme VCGS_Germline_v1.3.4, this variant is classified as VUS-3B. Following criteria are met: 0102 - Loss of function is a known mechanism of disease in this gene and is associated with Helsmoortel-van der Aa syndrome (MIM#615873). (I) 0107 - This gene is associated with autosomal dominant disease. (I) 0200 - Variant is predicted to result in a missense amino acid change from valine to isoleucine. (I) 0251 - This variant is heterozygous. (I) 0301 - Variant is absent from gnomAD (both v2 and v3). (SP) 0502 - Missense variant with conflicting in silico predictions and uninformative conservation. (I) 0604 - Variant is not located in an established domain, motif, hotspot or informative constraint region. (I) 0705 - No comparable missense variants have previous evidence for pathogenicity. (I) 0807 - This variant has no previous evidence of pathogenicity. (I) 0905 - No published segregation evidence has been identified for this variant. (I) 1007 - No published functional evidence has been identified for this variant. (I) 1208 - Inheritance information for this variant is not currently available in this individual. (I) Legend: (SP) - Supporting pathogenic, (I) - Information, (SB) - Supporting benign

NM_001282531.3(ADNP):c.1009G>A (p.Val337Ile)

Gene: ADNP (activity dependent neuroprotector homeobox; minus strand). Cytogenetic location: 20q13.13.
Variant type: single nucleotide variant.
Coding change: c.1009G>A on transcript NM_001282531.3 (MANE Select); coding-DNA position 1009, G replaced by A.
Protein change: p.Val337Ile; replaces valine 337 with isoleucine.
Molecular consequence: missense variant.
Genome position (GRCh38, 1-based): chr20:50,893,705, C>T on the plus strand (G>A on the coding strand, the complement: ADNP is on the minus strand). VCF-style: chr20-50893705-C-T. GRCh37 (hg19) VCF-style: chr20-49510242-C-T.
Other names: c.1009G>A, p.Val337Ile (NM_001282532.2, NM_001347511.2, NM_015339.5 and 1 more transcripts); short protein forms V337I.
Identifiers: ClinVar variation 1698970 (VCV001698970.3), dbSNP rs2122758058, ClinGen allele CA408974793.